The following is an entry in ClinVar:

ClinVar aggregate classification (germline): Uncertain significance. Review status: criteria provided, multiple submitters, no conflicts (2 of 4 stars). 2 submissions from 2 submitters: Uncertain significance (2). Last evaluated 2025-11-13.

Conditions:
MYH14-related disorder. Also called: MYH14-related condition.

gnomAD v4.1: 17 of 1,613,514 alleles (0.0011%); highest among the groups gnomAD compares: Admixed American, 0.028%; no homozygotes.

Submissions (2):

PreventionGenetics, part of Exact Sciences
Classification: Uncertain significance for MYH14-related condition. Last evaluated: 2025-11-13. Review status: criteria provided, single submitter. Criteria: ACMG Guidelines, 2015. Collection method: clinical testing. Allele origin: germline.
Comment: The MYH14 c.1338C>A variant is predicted to result in the amino acid substitution p.Phe446Leu. To our knowledge, this variant has not been reported in the literature. This variant is reported in 0.047% of alleles in individuals of Latino descent in gnomAD. Although we suspect that this variant may be benign, at this time, the clinical significance of this variant is uncertain due to the absence of conclusive functional and genetic evidence.

Labcorp Genetics (formerly Invitae), Labcorp
Classification: Uncertain significance. Last evaluated: 2024-02-27. Review status: criteria provided, single submitter. Criteria: Invitae Variant Classification Sherloc (09022015). Collection method: clinical testing. Allele origin: germline.
Comment: This sequence change replaces phenylalanine, which is neutral and non-polar, with leucine, which is neutral and non-polar, at codon 438 of the MYH14 protein (p.Phe438Leu). This variant is present in population databases (rs745351261, gnomAD 0.05%), and has an allele count higher than expected for a pathogenic variant. This variant has not been reported in the literature in individuals affected with MYH14-related conditions. Advanced modeling of protein sequence and biophysical properties (such as structural, functional, and spatial information, amino acid conservation, physicochemical variation, residue mobility, and thermodynamic stability) performed at Invitae indicates that this missense variant is expected to disrupt MYH14 protein function with a positive predictive value of 80%. In summary, the available evidence is currently insufficient to determine the role of this variant in disease. Therefore, it has been classified as a Variant of Uncertain Significance.

NM_001145809.2(MYH14):c.1338C>A (p.Phe446Leu)

Gene: MYH14 (myosin heavy chain 14; plus strand). Cytogenetic location: 19q13.33.
Variant type: single nucleotide variant.
Coding change: c.1338C>A on transcript NM_001145809.2 (MANE Select); coding-DNA position 1338, C replaced by A.
Protein change: p.Phe446Leu; replaces phenylalanine 446 with leucine.
Molecular consequence: missense variant.
Genome position (GRCh38, 1-based): chr19:50,248,995, C>A. VCF-style: chr19-50248995-C-A. GRCh37 (hg19) VCF-style: chr19-50752252-C-A.
Other names: c.1338C>A (NM_001145809.1); c.1338C>A, p.Phe446Leu (NM_001077186.2); c.1314C>A, p.Phe438Leu (NM_024729.4); short protein forms F446L, F438L.
Identifiers: ClinVar variation 2708914 (VCV002708914.4), dbSNP rs745351261, ClinGen allele CA9592605.